The following is an entry in ClinVar:

ClinVar aggregate classification (germline): Uncertain significance (1 of 4 stars; one submission).

Conditions:
Autosomal dominant hypocalcemia 1 (HYPOC1). Also called: HYPOCALCEMIA, FAMILIAL. Identifiers: MedGen C3715128, MONDO:0011013, OMIM 601198.
Familial hypocalciuric hypercalcemia (FHH). Also called: Familial benign hypercalcemia. Identifiers: Orphanet 405, MedGen C1809471, MONDO:0018458.

Allele frequency attached by ClinVar (database versions not stated): TOPMed below 0.00001; gnomAD 0.00001.
gnomAD v4.1: 1 of 1,614,094 alleles (0.000062%); highest among the groups gnomAD compares: Non-Finnish European, 0.000085%; no homozygotes.

Submission:

Labcorp Genetics (formerly Invitae), Labcorp
Classification: Uncertain significance for Familial hypocalciuric hypercalcemia; Autosomal dominant hypocalcemia 1. Last evaluated: 2022-11-08. Review status: criteria provided, single submitter. Criteria: Invitae Variant Classification Sherloc (09022015). Collection method: clinical testing. Allele origin: germline.
Comment: ClinVar contains an entry for this variant (Variation ID: 836174). Algorithms developed to predict the effect of missense changes on protein structure and function (SIFT, PolyPhen-2, Align-GVGD) all suggest that this variant is likely to be disruptive. In summary, the available evidence is currently insufficient to determine the role of this variant in disease. Therefore, it has been classified as a Variant of Uncertain Significance. This variant has not been reported in the literature in individuals affected with CASR-related conditions. This variant is not present in population databases (gnomAD no frequency). This sequence change replaces glycine, which is neutral and non-polar, with glutamic acid, which is acidic and polar, at codon 219 of the CASR protein (p.Gly219Glu).

NM_000388.4(CASR):c.656G>A (p.Gly219Glu)

Gene: CASR (calcium sensing receptor; plus strand). Cytogenetic location: 3q21.1.
Variant type: single nucleotide variant.
Coding change: c.656G>A on transcript NM_000388.4 (MANE Select); coding-DNA position 656, G replaced by A.
Protein change: p.Gly219Glu; replaces glycine 219 with glutamic acid.
Molecular consequence: missense variant.
Genome position (GRCh38, 1-based): chr3:122,261,691, G>A. VCF-style: chr3-122261691-G-A. GRCh37 (hg19) VCF-style: chr3-121980538-G-A.
Other names: c.656G>A, p.Gly219Glu (NM_001178065.2); short protein forms G219E.
Identifiers: ClinVar variation 836174 (VCV000836174.12), dbSNP rs1237913277, ClinGen allele CA354151062.